The following is an entry in ClinVar:

NM_005732.4(RAD50):c.671G>A (p.Arg224His)

Gene: RAD50 (RAD50 double strand break repair protein; plus strand). Cytogenetic location: 5q31.1.
Variant type: single nucleotide variant.
Coding change: c.671G>A on transcript NM_005732.4 (MANE Select); coding-DNA position 671, G replaced by A.
Protein change: p.Arg224His; replaces arginine 224 with histidine.
Molecular consequence: missense variant.
Genome position (GRCh38, 1-based): chr5:132,579,981, G>A. VCF-style: chr5-132579981-G-A. GRCh37 (hg19) VCF-style: chr5-131915673-G-A.
Other names: p.R224H:CGT>CAT; short protein forms R224H.
Identifiers: ClinVar variation 128026 (VCV000128026.32), dbSNP rs28903088, ClinGen allele CA331891.

ClinVar aggregate classification (germline): Conflicting classifications of pathogenicity. Review status: criteria provided, conflicting classifications (1 of 4 stars). 10 submissions from 10 submitters: Uncertain significance (3); Benign (2); Likely benign (4). 1 of the submissions does not count toward it. Last evaluated 2026-01-19.

Conditions:
RAD50-related disorder. Also called: RAD50-related condition.
Nijmegen breakage syndrome-like disorder (NBSLD). Also called: MICROCEPHALY AND SPONTANEOUS CHROMOSOME INSTABILITY WITHOUT IMMUNODEFICIENCY; NBS-LIKE DISORDER; RAD50 DEFICIENCY. Identifiers: Orphanet 240760, MedGen C2751318, MONDO:0013118, OMIM 613078.
Hereditary cancer-predisposing syndrome. Also called: Tumor predisposition; Hereditary neoplastic syndrome; Neoplastic Syndromes, Hereditary; Hereditary Cancer Syndrome. Identifiers: Orphanet 140162, MedGen C0027672, MeSH D009386, MONDO:0015356.

Allele frequency attached by ClinVar (database versions not stated): TOPMed 0.00051; ExAC 0.00061; ESP Exome Variant Server 0.00062; gnomAD 0.00063 and 0.00065; gnomAD exomes 0.00072 and 0.00096.
gnomAD v4.1: 1,468 of 1,612,824 alleles (0.091%); highest among the groups gnomAD compares: Non-Finnish European, 0.11%; 2 homozygotes.

Submissions (10):

Labcorp Genetics (formerly Invitae), Labcorp
Classification: Likely benign for Hereditary cancer-predisposing syndrome. Last evaluated: 2026-01-19. Review status: criteria provided, single submitter. Criteria: Invitae Variant Classification Sherloc (09022015). Collection method: clinical testing. Allele origin: germline.

GeneDx
Classification: Uncertain significance. Last evaluated: 2025-06-24. Review status: criteria provided, single submitter. Criteria: GeneDx Variant Classification Process June 2021. Collection method: clinical testing. Allele origin: germline. Affected: yes.
Comment: In silico analysis suggests that this missense variant does not alter protein structure/function; Observed in individuals with a personal or family history including pancreatic, breast, and/or ovarian cancer (PMID: 26483394, 16385572, 14684699); This variant is associated with the following publications: (PMID: 26209080, 16385572, 20571869, 14684699, 16474176, 24093751, 24894818, 26314886, 33471991, 26517685, 26787654, 26822949, 26483394)

Blueprint Genetics
Classification: Likely benign. Last evaluated: 2024-11-06. Review status: criteria provided, single submitter. Criteria: ACMG Guidelines, 2015. Collection method: clinical testing. Allele origin: germline.

Institute for Clinical Genetics, University Hospital TU Dresden, University Hospital TU Dresden
Classification: Uncertain significance. Last evaluated: 2021-11-03. Review status: criteria provided, single submitter. Criteria: ACMG Guidelines, 2015. Collection method: clinical testing. Allele origin: germline.

Sema4
Classification: Likely benign for Nijmegen breakage syndrome-like disorder. Last evaluated: 2021-10-25. Review status: criteria provided, single submitter. Criteria: Sema4 Curation Guidelines. Collection method: curation. Allele origin: germline.

Women's Health and Genetics/Laboratory Corporation of America, LabCorp
Classification: Benign. Last evaluated: 2021-09-27. Review status: criteria provided, single submitter. Criteria: LabCorp Variant Classification Summary - May 2015. Collection method: clinical testing. Allele origin: germline.
Comment: Variant summary: RAD50 c.671G>A (p.Arg224His) results in a non-conservative amino acid change located in the AAA domain (IPR038729) of the encoded protein sequence. Four of five in-silico tools predict a damaging effect of the variant on protein function. The variant allele was found at a frequency of 0.0007 in 395844 control chromosomes in the gnomAD database (v2.1 and v3.1 datasets), including 1 homozygote. The observed variant frequency is approximately 11-fold of the estimated maximal expected allele frequency for a pathogenic variant in RAD50 causing Hereditary Breast and Ovarian Cancer Syndrome phenotype (6.3e-05), strongly suggesting that the variant is benign. The variant, c.671G>A, has been reported in the literature in individuals affected with breast or ovarian cancer, and other tumor phenotypes (e.g. Heikkinen_2003, Tommiska_2006, Damiola_2014, Lhota_2016, Hu_2016, Young_2016). However, in a recent large study evaluating breast cancer cases and controls in the Breast Cancer Association Consortium (BCAC), the variant was reported in 130/60466 cases and 107/53461 controls, suggesting no increased risk association for the variant with the disease (Dorling_2021 through LOVD). To our knowledge, no experimental evidence demonstrating an impact on protein function has been reported. Four other clinical diagnostic laboratories have submitted clinical-significance assessments for this variant to ClinVar after 2014 without evidence for independent evaluation, and classified the variant as VUS (n=1), likely benign (n=2) / benign (n=1). Based on the evidence outlined above, the variant was classified as benign.

Eurofins Ntd Llc (ga)
Classification: Uncertain significance. Last evaluated: 2018-03-08. Review status: criteria provided, single submitter. Criteria: EGL ClinVar v180209 classification definitions. Collection method: clinical testing. Allele origin: germline. Observed: 1 variant allele, 1 heterozygote.

Vantari Genetics
Classification: Likely benign for Hereditary cancer-predisposing syndrome. Last evaluated: 2015-10-26. Review status: criteria provided, single submitter. Criteria: ACMG Guidelines, 2015. Collection method: clinical testing. Allele origin: germline.

Ambry Genetics
Classification: Benign for Hereditary cancer-predisposing syndrome. Last evaluated: 2015-04-06. Review status: criteria provided, single submitter. Criteria: Ambry Variant Classification Scheme 2023. Collection method: clinical testing. Allele origin: germline.

PreventionGenetics, part of Exact Sciences
Classification: Likely benign for RAD50-related condition. Last evaluated: 2019-10-07. Review status: no assertion criteria provided. Collection method: clinical testing. Allele origin: germline. Not counted in ClinVar's aggregate classification.
Comment: This variant is classified as likely benign based on ACMG/AMP sequence variant interpretation guidelines (Richards et al. 2015 PMID: 25741868, with internal and published modifications).

Literature cited by the submitters: PubMed 26483394 (cited by Women's Health and Genetics/Laboratory Corporation of America, LabCorp); PubMed 14684699 (cited by Women's Health and Genetics/Laboratory Corporation of America, LabCorp); PubMed 26787654 (cited by Women's Health and Genetics/Laboratory Corporation of America, LabCorp); PubMed 24894818 (cited by Women's Health and Genetics/Laboratory Corporation of America, LabCorp); PubMed 26822949 (cited by Women's Health and Genetics/Laboratory Corporation of America, LabCorp); PubMed 16385572 (cited by Women's Health and Genetics/Laboratory Corporation of America, LabCorp); PubMed 33471991 (cited by Women's Health and Genetics/Laboratory Corporation of America, LabCorp).